The following is an entry in ClinVar:

ClinVar aggregate classification (germline): Uncertain significance (1 of 4 stars; one submission).

Conditions:
Arrhythmogenic right ventricular dysplasia 13. Also called: ARRHYTHMOGENIC RIGHT VENTRICULAR CARDIOMYOPATHY 13; Arrhythmogenic right ventricular dysplasia, familial, 13. Identifiers: MedGen C3810138, MONDO:0000908, OMIM 615616.

Allele frequency attached by ClinVar (database versions not stated): ExAC 0.00001; gnomAD exomes 0.00001.
gnomAD v4.1: 4 of 1,601,206 alleles (0.00025%); highest among the groups gnomAD compares: Admixed American, 0.0035%; no homozygotes.

Submission:

Labcorp Genetics (formerly Invitae), Labcorp
Classification: Uncertain significance for Arrhythmogenic right ventricular dysplasia 13. Last evaluated: 2022-07-17. Review status: criteria provided, single submitter. Criteria: Invitae Variant Classification Sherloc (09022015). Collection method: clinical testing. Allele origin: germline.
Comment: This sequence change falls in intron 13 of the CTNNA3 gene. It does not directly change the encoded amino acid sequence of the CTNNA3 protein. It affects a nucleotide within the consensus splice site. This variant is present in population databases (rs766237431, gnomAD 0.006%). This variant has not been reported in the literature in individuals affected with CTNNA3-related conditions. ClinVar contains an entry for this variant (Variation ID: 1019371). Variants that disrupt the consensus splice site are a relatively common cause of aberrant splicing (PMID: 17576681, 9536098). Algorithms developed to predict the effect of sequence changes on RNA splicing suggest that this variant is not likely to affect RNA splicing. In summary, the available evidence is currently insufficient to determine the role of this variant in disease. Therefore, it has been classified as a Variant of Uncertain Significance.

Literature cited by the submitters: PubMed 17576681; PubMed 9536098.

NM_013266.4(CTNNA3):c.1884+5G>A

Gene: CTNNA3 (catenin alpha 3; minus strand). Cytogenetic location: 10q21.3.
Variant type: single nucleotide variant.
Coding change: c.1884+5G>A on transcript NM_013266.4 (MANE Select); 5 bases into the intron after coding-DNA position 1884, G replaced by A.
Molecular consequence: intron variant.
Genome position (GRCh38, 1-based): chr10:66,280,465, C>T on the plus strand (G>A on the coding strand, the complement: CTNNA3 is on the minus strand). VCF-style: chr10-66280465-C-T. GRCh37 (hg19) VCF-style: chr10-68040223-C-T.
Other names: c.1884+5G>A (NM_001127384.3).
Identifiers: ClinVar variation 1019371 (VCV001019371.8), dbSNP rs766237431, ClinGen allele CA5519787.
Genomic context (GRCh38, chr10:66,280,465, plus strand): 5'-CATCCCAGGCATTCCAGATGGTGAAGAACATTGCAATAATTCAATGGAAGGAAAAGCAAA[C>T]TTACCCGAATCATCATGACTGAACATCTGATATCATGAATTGTATCATAGATCTTCTTTG-3'